The following is an entry in ClinVar:

NC_000011.9:g.(?_5246696)_(5248301_?)del

Gene: HBB (hemoglobin subunit beta; minus strand). Cytogenetic location: 11p15.4.
Variant type: Deletion.
Identifiers: ClinVar variation 3244732 (VCV003244732.1).

ClinVar aggregate classification (germline): Pathogenic (1 of 4 stars; one submission).

Submission:

Labcorp Genetics (formerly Invitae), Labcorp
Classification: Pathogenic. Last evaluated: 2024-01-25. Review status: criteria provided, single submitter. Criteria: Invitae Variant Classification Sherloc (09022015). Collection method: clinical testing. Allele origin: unknown.
Comment: A gross deletion of the genomic region encompassing the full coding sequence of the HBB gene has been identified. Loss-of-function variants in HBB are known to be pathogenic (PMID: 23637309). The boundaries of this event are unknown as they extend beyond the assayed region for this gene and therefore may encompass additional genes. A similar copy number variant has been observed in individual(s) with HBB-related conditions (PMID: 8257991, 19807730, 19958185). For these reasons, this variant has been classified as Pathogenic.

Literature cited by the submitters: PubMed 23637309; PubMed 8257991; PubMed 19807730; PubMed 19958185.